The following is an entry in ClinVar:

ClinVar aggregate classification (germline): Benign. Review status: criteria provided, multiple submitters, no conflicts (2 of 4 stars). 7 submissions from 7 submitters: Benign (5). 2 of the submissions do not count toward it. Last evaluated 2026-02-04.

Conditions:
Autosomal recessive congenital ichthyosis 10 (ARCI10). Identifiers: Orphanet 79394, MedGen C3554355, MONDO:0014011, OMIM 615024.

Allele frequency attached by ClinVar (database versions not stated): gnomAD exomes 0.37101; gnomAD 0.42185 and 0.42670; 1000 Genomes Project 0.41833; TOPMed 0.42442; 1000 Genomes Project 30x 0.42161; ExAC 0.37537; ESP Exome Variant Server 0.43242.
gnomAD v4.1: 618,325 of 1,612,774 alleles (38%); highest among the groups gnomAD compares: African/African-American, 53%; 121,341 homozygotes.

Submissions (7):

Labcorp Genetics (formerly Invitae), Labcorp
Classification: Benign. Last evaluated: 2026-02-04. Review status: criteria provided, single submitter. Criteria: Invitae Variant Classification Sherloc (09022015). Collection method: clinical testing. Allele origin: germline.

Genome-Nilou Lab
Classification: Benign for Autosomal recessive congenital ichthyosis 10. Last evaluated: 2021-10-25. Review status: criteria provided, single submitter. Criteria: ACMG Guidelines, 2015. Collection method: clinical testing. Allele origin: germline. Affected: no.

GeneDx
Classification: Benign. Last evaluated: 2018-11-12. Review status: criteria provided, single submitter. Criteria: GeneDx Variant Classification Process June 2021. Collection method: clinical testing. Allele origin: germline. Affected: yes.

Illumina Laboratory Services, Illumina
Classification: Benign for Autosomal recessive congenital ichthyosis 10. Last evaluated: 2018-01-12. Review status: criteria provided, single submitter. Criteria: ICSL Variant Classification Criteria 13 December 2019. Collection method: clinical testing. Allele origin: germline.
Comment: This variant was observed in the ICSL laboratory as part of a predisposition screen in an ostensibly healthy population. It had not been previously curated by ICSL or reported in the Human Gene Mutation Database (HGMD: prior to June 1st, 2018), and was therefore a candidate for classification through an automated scoring system. Utilizing variant allele frequency, disease prevalence and penetrance estimates, and inheritance mode, an automated score was calculated to assess if this variant is too frequent to cause the disease. Based on the score and internal cut-off values, a variant classified as benign is not then subjected to further curation. The score for this variant resulted in a classification of benign for this disease.

PreventionGenetics, part of Exact Sciences
Classification: Benign. Review status: criteria provided, single submitter. Criteria: ACMG Guidelines, 2015. Collection method: clinical testing. Allele origin: germline.

Diagnostic Laboratory, Department of Genetics, University Medical Center Groningen
Classification: Benign. Review status: no assertion criteria provided. Collection method: clinical testing. Allele origin: germline. Affected: yes. Study: VKGL Data-share Consensus. Not counted in ClinVar's aggregate classification.

Joint Genome Diagnostic Labs from Nijmegen and Maastricht, Radboudumc and MUMC+
Classification: Benign. Review status: no assertion criteria provided. Collection method: clinical testing. Allele origin: germline. Affected: yes. Study: VKGL Data-share Consensus. Not counted in ClinVar's aggregate classification.

NM_001374623.1(PNPLA1):c.459C>T (p.Phe153=)

Gene: PNPLA1 (patatin like domain 1, omega-hydroxyceramide transacylase; plus strand). Cytogenetic location: 6p21.31.
Variant type: single nucleotide variant.
Coding change: c.459C>T on transcript NM_001374623.1 (MANE Select); coding-DNA position 459, C replaced by T.
Protein change: p.Phe153=; no amino-acid change (phenylalanine 153 retained).
Molecular consequence: synonymous variant.
Genome position (GRCh38, 1-based): chr6:36,293,081, C>T. VCF-style: chr6-36293081-C-T. GRCh37 (hg19) VCF-style: chr6-36260858-C-T.
Other names: c.459C>T, p.Phe153= (NM_001145717.1); c.174C>T, p.Phe58= (NM_001145716.2, NM_173676.2).
Identifiers: ClinVar variation 257572 (VCV000257572.22), dbSNP rs2239795, ClinGen allele CA3777713.